The following is an entry in ClinVar:

NM_000071.3(CBS):c.1126_1128dup (p.Asp376_Ser377insAsp)

Gene: CBS (cystathionine beta-synthase; minus strand). Cytogenetic location: 21q22.3.
Variant type: Duplication.
Coding change: c.1126_1128dup on transcript NM_000071.3 (MANE Select); coding-DNA positions 1126 to 1128, 3 bases duplicated (GAC; older notation c.1126_1128dupGAC).
Protein change: p.Asp376_Ser377insAsp.
Molecular consequence: inframe insertion.
Genome position (GRCh38, 1-based): chr21:43,060,458-43,060,460, GTC duplicated on the plus strand (GAC on the coding strand, the reverse complement: CBS is on the minus strand); duplicating any 3 consecutive bases within chr21:43,060,458-43,060,461 gives the same sequence; the c. name uses the placement nearest the transcript's 3' end. VCF-style (leftmost placement, unchanged base first): chr21-43060457-A-AGTC. GRCh37 (hg19) VCF-style: chr21-44480567-A-AGTC.
Other names: c.1126_1128dup, p.Asp376_Ser377insAsp (NM_001178008.3, NM_001178009.3, NM_001320298.2); c.811_813dup, p.Asp271_Ser272insAsp (NM_001321072.1).
Identifiers: ClinVar variation 4719379 (VCV004719379.1).

ClinVar aggregate classification (germline): Uncertain significance (1 of 4 stars; one submission).

Conditions:
HYPERHOMOCYSTEINEMIA, THROMBOTIC, CBS-RELATED. Identifiers: MedGen C3150344, OMIM 236200.

Submission:

Labcorp Genetics (formerly Invitae), Labcorp
Classification: Uncertain significance for HYPERHOMOCYSTEINEMIA, THROMBOTIC, CBS-RELATED. Last evaluated: 2025-05-11. Review status: criteria provided, single submitter. Criteria: Invitae Variant Classification Sherloc (09022015). Collection method: clinical testing. Allele origin: germline.
Comment: This variant, c.1126_1128dup, results in the insertion of 1 amino acid(s) of the CBS protein (p.Asp376dup), but otherwise preserves the integrity of the reading frame. This variant is not present in population databases (gnomAD no frequency). This variant has not been reported in the literature in individuals affected with CBS-related conditions. In summary, the available evidence is currently insufficient to determine the role of this variant in disease. Therefore, it has been classified as a Variant of Uncertain Significance.